The following is an entry in ClinVar:

NM_003803.4(MYOM1):c.144C>G (p.Ser48Arg)

Gene: MYOM1 (myomesin 1; minus strand). Cytogenetic location: 18p11.31.
Variant type: single nucleotide variant.
Coding change: c.144C>G on transcript NM_003803.4 (MANE Select); coding-DNA position 144, C replaced by G.
Protein change: p.Ser48Arg; replaces serine 48 with arginine.
Molecular consequence: missense variant.
Genome position (GRCh38, 1-based): chr18:3,215,080, G>C on the plus strand (C>G on the coding strand, the complement: MYOM1 is on the minus strand). VCF-style: chr18-3215080-G-C. GRCh37 (hg19) VCF-style: chr18-3215078-G-C.
Other names: c.144C>G, p.Ser48Arg (NM_019856.2); short protein forms S48R.
Identifiers: ClinVar variation 4767966 (VCV004767966.1).

ClinVar aggregate classification (germline): Uncertain significance (1 of 4 stars; one submission).

Conditions:
Hypertrophic cardiomyopathy. Also called: HYPERTROPHIC MYOCARDIOPATHY. Identifiers: Orphanet 217569, MedGen C0007194, MeSH D002312, MONDO:0005045, HP:0001639.

gnomAD v4.1: 2 of 1,613,444 alleles (0.00012%); highest among the groups gnomAD compares: Non-Finnish European, 0.00017%; no homozygotes.

Submission:

Labcorp Genetics (formerly Invitae), Labcorp
Classification: Uncertain significance for Hypertrophic cardiomyopathy. Last evaluated: 2025-04-24. Review status: criteria provided, single submitter. Criteria: Invitae Variant Classification Sherloc (09022015). Collection method: clinical testing. Allele origin: germline.
Comment: This sequence change replaces serine, which is neutral and polar, with arginine, which is basic and polar, at codon 48 of the MYOM1 protein (p.Ser48Arg). This variant is not present in population databases (gnomAD no frequency). This variant has not been reported in the literature in individuals affected with MYOM1-related conditions. An algorithm developed to predict the effect of missense changes on protein structure and function (PolyPhen-2) suggests that this variant is likely to be tolerated. In summary, the available evidence is currently insufficient to determine the role of this variant in disease. Therefore, it has been classified as a Variant of Uncertain Significance.